The following is an entry in ClinVar:

ClinVar aggregate classification (germline): Uncertain significance (1 of 4 stars; one submission).

Conditions:
Charcot-Marie-Tooth disease axonal type 2O. Also called: Charcot-Marie-Tooth Neuropathy Type 2O; Charcot-Marie-Tooth disease, axonal, type 20; CHARCOT-MARIE-TOOTH NEUROPATHY, AXONAL, TYPE 2O; CHARCOT-MARIE-TOOTH DISEASE, AXONAL, AUTOSOMAL DOMINANT, TYPE 2O. Identifiers: Orphanet 284232, MedGen C3280220, MONDO:0013644, OMIM 614228.

Submission:

Labcorp Genetics (formerly Invitae), Labcorp
Classification: Uncertain significance for Charcot-Marie-Tooth disease axonal type 2O. Last evaluated: 2021-06-24. Review status: criteria provided, single submitter. Criteria: Invitae Variant Classification Sherloc (09022015). Collection method: clinical testing. Allele origin: germline.
Comment: In summary, the available evidence is currently insufficient to determine the role of this variant in disease. Therefore, it has been classified as a Variant of Uncertain Significance. Advanced modeling of protein sequence and biophysical properties (such as structural, functional, and spatial information, amino acid conservation, physicochemical variation, residue mobility, and thermodynamic stability) performed at Invitae indicates that this missense variant is not expected to disrupt DYNC1H1 protein function. This variant has not been reported in the literature in individuals with DYNC1H1-related conditions. This variant is not present in population databases (ExAC no frequency). This sequence change replaces serine with proline at codon 3672 of the DYNC1H1 protein (p.Ser3672Pro). The serine residue is highly conserved and there is a moderate physicochemical difference between serine and proline.

NM_001376.5(DYNC1H1):c.11014T>C (p.Ser3672Pro)

Gene: DYNC1H1 (dynein cytoplasmic 1 heavy chain 1; plus strand). Cytogenetic location: 14q32.31.
Variant type: single nucleotide variant.
Coding change: c.11014T>C on transcript NM_001376.5 (MANE Select); coding-DNA position 11014, T replaced by C.
Protein change: p.Ser3672Pro; replaces serine 3672 with proline.
Molecular consequence: missense variant.
Genome position (GRCh38, 1-based): chr14:102,038,565, T>C. VCF-style: chr14-102038565-T-C. GRCh37 (hg19) VCF-style: chr14-102504902-T-C.
Other names: short protein forms S3672P.
Identifiers: ClinVar variation 1361673 (VCV001361673.8), dbSNP rs2152594742, ClinGen allele CA391031827.